The following is an entry in ClinVar:

NM_002635.4(SLC25A3):c.38C>T (p.Pro13Leu)

Gene: SLC25A3 (solute carrier family 25 member 3; plus strand). Cytogenetic location: 12q23.1.
Variant type: single nucleotide variant.
Coding change: c.38C>T on transcript NM_002635.4 (MANE Select); coding-DNA position 38, C replaced by T.
Protein change: p.Pro13Leu; replaces proline 13 with leucine.
Molecular consequence: missense variant.
Genome position (GRCh38, 1-based): chr12:98,594,016, C>T. VCF-style: chr12-98594016-C-T. GRCh37 (hg19) VCF-style: chr12-98987794-C-T.
Other names: c.38C>T, p.Pro13Leu (NM_005888.4, NM_213611.3); short protein forms P13L.
Identifiers: ClinVar variation 431859 (VCV000431859.2), dbSNP rs1331004642, ClinGen allele CA386161567.

ClinVar aggregate classification (germline): Uncertain significance (1 of 4 stars; one submission).

Allele frequency attached by ClinVar (database versions not stated): TOPMed 0.00001; gnomAD 0.00001.
gnomAD v4.1: 5 of 1,613,760 alleles (0.00031%); highest among the groups gnomAD compares: African/African-American, 0.0013%; no homozygotes.

Submission:

GeneDx
Classification: Uncertain significance. Last evaluated: 2016-08-02. Review status: criteria provided, single submitter. Criteria: GeneDx Variant Classification (06012015). Collection method: clinical testing. Allele origin: germline. Affected: yes.
Comment: The P13L variant has not been published as a pathogenic variant, nor has it been reported as a benign variant to our knowledge. The P13L variant was not observed in approximately 6,500 individuals of European and African American ancestry in the NHLBI Exome Sequencing Project, indicating it is not a common benign variant in these populations. The P13L variant is a semi-conservative amino acid substitution, which may impact secondary protein structure as these residues differ in some properties. This substitution occurs at a position that is not conserved. In silico analysis predicts this variant is probably damaging to the protein structure/function. We interpret P13L as a variant of uncertain significance.